The following is an entry in ClinVar:

NM_005797.4(MPZL2):c.340C>T (p.Gln114Ter)

Gene: MPZL2 (myelin protein zero like 2; minus strand). Cytogenetic location: 11q23.3.
Variant type: single nucleotide variant.
Coding change: c.340C>T on transcript NM_005797.4 (MANE Select); coding-DNA position 340, C replaced by T.
Protein change: p.Gln114Ter; replaces glutamine 114 with a stop codon.
Molecular consequence: nonsense.
Genome position (GRCh38, 1-based): chr11:118,262,534, G>A on the plus strand (C>T on the coding strand, the complement: MPZL2 is on the minus strand). VCF-style: chr11-118262534-G-A. GRCh37 (hg19) VCF-style: chr11-118133249-G-A.
Other names: c.340C>T, p.Gln114Ter (NM_144765.3); short protein forms Q114*.
Identifiers: ClinVar variation 1321751 (VCV001321751.3), dbSNP rs751117377, ClinGen allele CA6301389.

ClinVar aggregate classification (germline): Likely pathogenic (1 of 4 stars; one submission).

Allele frequency attached by ClinVar (database versions not stated): gnomAD 0.00001; gnomAD exomes 0.00001 and 0.00002; ExAC 0.00002.

Submission:

GeneDx
Classification: Likely pathogenic. Last evaluated: 2025-03-24. Review status: criteria provided, single submitter. Criteria: GeneDx Variant Classification Process June 2021. Collection method: clinical testing. Allele origin: germline. Affected: yes.
Comment: Nonsense variant predicted to result in protein truncation or nonsense mediated decay in a gene for which loss-of-function is a known mechanism of disease; Has not been previously published as pathogenic or benign to our knowledge